The following is an entry in ClinVar:

ClinVar aggregate classification (germline): Likely pathogenic (1 of 4 stars; one submission).

Conditions:
Smith-Lemli-Opitz syndrome (SLOS). Also called: POLYDACTYLY, SEX REVERSAL, RENAL HYPOPLASIA, AND UNILOBAR LUNG; RSH SYNDROME; RUTLEDGE LETHAL MULTIPLE CONGENITAL ANOMALY SYNDROME; LETHAL ACRODYSGENITAL SYNDROME; 7-Dehydrocholesterol reductase deficiency. Identifiers: Orphanet 818, MedGen C0175694, MONDO:0010035, OMIM 270400.

Submission:

Labcorp Genetics (formerly Invitae), Labcorp
Classification: Likely pathogenic for Smith-Lemli-Opitz syndrome. Last evaluated: 2023-09-17. Review status: criteria provided, single submitter. Criteria: Invitae Variant Classification Sherloc (09022015). Collection method: clinical testing. Allele origin: germline.
Comment: This sequence change replaces glycine, which is neutral and non-polar, with aspartic acid, which is acidic and polar, at codon 309 of the DHCR7 protein (p.Gly309Asp). This variant is not present in population databases (gnomAD no frequency). In summary, the currently available evidence indicates that the variant is pathogenic, but additional data are needed to prove that conclusively. Therefore, this variant has been classified as Likely Pathogenic. This variant disrupts the p.Gly309 amino acid residue in DHCR7. Other variant(s) that disrupt this residue have been determined to be pathogenic (PMID: 15521979). This suggests that this residue is clinically significant, and that variants that disrupt this residue are likely to be disease-causing. Advanced modeling of protein sequence and biophysical properties (such as structural, functional, and spatial information, amino acid conservation, physicochemical variation, residue mobility, and thermodynamic stability) performed at Invitae indicates that this missense variant is expected to disrupt DHCR7 protein function. This variant has not been reported in the literature in individuals affected with DHCR7-related conditions.

Literature cited by the submitters: PubMed 15521979.

NM_001360.3(DHCR7):c.926G>A (p.Gly309Asp)

Gene: DHCR7 (7-dehydrocholesterol reductase; minus strand). Cytogenetic location: 11q13.4.
Variant type: single nucleotide variant.
Coding change: c.926G>A on transcript NM_001360.3 (MANE Select); coding-DNA position 926, G replaced by A.
Protein change: p.Gly309Asp; replaces glycine 309 with aspartic acid.
Molecular consequence: missense variant.
Genome position (GRCh38, 1-based): chr11:71,437,849, C>T on the plus strand (G>A on the coding strand, the complement: DHCR7 is on the minus strand). VCF-style: chr11-71437849-C-T. GRCh37 (hg19) VCF-style: chr11-71148895-C-T.
Other names: c.926G>A, p.Gly309Asp (NM_001163817.2, NM_001425109.1, NM_001425110.1 and 5 more transcripts); c.977G>A, p.Gly326Asp (NM_001425107.1); c.962G>A, p.Gly321Asp (NM_001425108.1); c.866G>A, p.Gly289Asp (NM_001425113.1); c.830G>A, p.Gly277Asp (NM_001425114.1, NM_001425116.1); c.752G>A, p.Gly251Asp (NM_001425117.1); short protein forms G277D, G309D, G326D, G251D, G289D, G321D.
Identifiers: ClinVar variation 2820023 (VCV002820023.3), dbSNP rs1565586046, ClinGen allele CA381702956.